The following is an entry in ClinVar:

ClinVar aggregate classification (germline): Uncertain significance (1 of 4 stars; one submission).

Conditions:
Hereditary cancer-predisposing syndrome. Also called: Neoplastic Syndromes, Hereditary; Hereditary Cancer Syndrome; Tumor predisposition; Hereditary neoplastic syndrome. Identifiers: Orphanet 140162, MedGen C0027672, MeSH D009386, MONDO:0015356.

Submission:

Ambry Genetics
Classification: Uncertain significance for Hereditary cancer-predisposing syndrome. Last evaluated: 2024-12-22. Review status: criteria provided, single submitter. Criteria: Ambry Variant Classification Scheme 2023. Collection method: clinical testing. Allele origin: germline.
Comment: The p.S467W variant (also known as c.1400C>G), located in coding exon 11 of the POT1 gene, results from a C to G substitution at nucleotide position 1400. The serine at codon 467 is replaced by tryptophan, an amino acid with highly dissimilar properties. This amino acid position is conserved. In addition, this alteration is predicted to be tolerated by in silico analysis. Based on the available evidence, the clinical significance of this variant remains unclear.

NM_015450.3(POT1):c.1400C>G (p.Ser467Trp)

Gene: POT1 (protection of telomeres 1; minus strand). Cytogenetic location: 7q31.33.
Variant type: single nucleotide variant.
Coding change: c.1400C>G on transcript NM_015450.3 (MANE Select); coding-DNA position 1400, C replaced by G.
Protein change: p.Ser467Trp; replaces serine 467 with tryptophan.
Molecular consequence: missense variant. On other transcripts: non-coding transcript variant (3).
Genome position (GRCh38, 1-based): chr7:124,835,384, G>C on the plus strand (C>G on the coding strand, the complement: POT1 is on the minus strand). VCF-style: chr7-124835384-G-C. GRCh37 (hg19) VCF-style: chr7-124475438-G-C.
Other names: c.1007C>G, p.Ser336Trp (NM_001042594.2); short protein forms S336W, S467W.
Identifiers: ClinVar variation 3781987 (VCV003781987.1).